The following is an entry in ClinVar:

ClinVar aggregate classification (germline): Uncertain significance. Review status: criteria provided, multiple submitters, no conflicts (2 of 4 stars). 2 submissions from 2 submitters: Uncertain significance (2). Last evaluated 2024-01-08.

gnomAD v4.1: 15 of 1,610,070 alleles (0.00093%); highest among the groups gnomAD compares: Non-Finnish European, 0.0013%; no homozygotes.

Submissions (2):

Labcorp Genetics (formerly Invitae), Labcorp
Classification: Uncertain significance. Last evaluated: 2024-01-08. Review status: criteria provided, single submitter. Criteria: Invitae Variant Classification Sherloc (09022015). Collection method: clinical testing. Allele origin: germline.
Comment: This sequence change replaces histidine, which is basic and polar, with tyrosine, which is neutral and polar, at codon 471 of the DIAPH3 protein (p.His471Tyr). This variant is not present in population databases (gnomAD no frequency). This variant has not been reported in the literature in individuals affected with DIAPH3-related conditions. An algorithm developed to predict the effect of missense changes on protein structure and function (PolyPhen-2) suggests that this variant is likely to be disruptive. In summary, the available evidence is currently insufficient to determine the role of this variant in disease. Therefore, it has been classified as a Variant of Uncertain Significance.

Blueprint Genetics
Classification: Uncertain significance. Last evaluated: 2019-12-18. Review status: criteria provided, single submitter. Criteria: ACMG Guidelines, 2015. Collection method: clinical testing. Allele origin: germline.

NM_001042517.2(DIAPH3):c.1411C>T (p.His471Tyr)

Gene: DIAPH3 (diaphanous related formin 3; minus strand). Cytogenetic location: 13q21.2.
Variant type: single nucleotide variant.
Coding change: c.1411C>T on transcript NM_001042517.2 (MANE Select); coding-DNA position 1411, C replaced by T.
Protein change: p.His471Tyr; replaces histidine 471 with tyrosine.
Molecular consequence: missense variant.
Genome position (GRCh38, 1-based): chr13:59,983,838, G>A on the plus strand (C>T on the coding strand, the complement: DIAPH3 is on the minus strand). VCF-style: chr13-59983838-G-A. GRCh37 (hg19) VCF-style: chr13-60557972-G-A.
Other names: c.1378C>T, p.His460Tyr (NM_001258366.2); c.1273C>T, p.His425Tyr (NM_001258367.2); c.1201C>T, p.His401Tyr (NM_001258368.2); c.1411C>T, p.His471Tyr (NM_001258369.2); c.622C>T, p.His208Tyr (NM_001258370.2, NM_030932.4); short protein forms H208Y, H460Y, H401Y, H425Y, H471Y.
Identifiers: ClinVar variation 2892277 (VCV002892277.4), dbSNP rs368826517, ClinGen allele CA388333187.
Genomic context (GRCh38, chr13:59,983,838, plus strand): 5'-GGGTTAAATCTAAATCTAGTCTTTTTCGATATGTGAAGTCTGGATCCATTCCATCTCTAT[G>A]CAATACAATCTGGGATACACACTCATCAATTAATTTGAAGTATTGTTGCCTAAAACCAAA-3'
Protein context (NP_001035982.1, residues 461-481): IDECVSQIVL[His471Tyr]RDGMDPDFTY